The following is an entry in ClinVar:

ClinVar aggregate classification (germline): Pathogenic (1 of 4 stars; one submission).

Submission:

Labcorp Genetics (formerly Invitae), Labcorp
Classification: Pathogenic. Last evaluated: 2023-09-22. Review status: criteria provided, single submitter. Criteria: Invitae Variant Classification Sherloc (09022015). Collection method: clinical testing. Allele origin: unknown.
Comment: This variant is a gross deletion of the genomic region encompassing exon(s) 5 of the FRAS1 gene. This deletion is out-of-frame, and is expected to create a premature termination codon and result in an absent or disrupted protein product. Loss-of-function variants in FRAS1 are known to be pathogenic (PMID: 12766769, 18671281). This variant has not been reported in the literature in individuals affected with FRAS1-related conditions. For these reasons, this variant has been classified as Pathogenic.

Literature cited by the submitters: PubMed 12766769; PubMed 18671281.

NC_000004.11:g.(?_79173526)_(79173725_?)del

Gene: FRAS1 (Fraser extracellular matrix complex subunit 1; plus strand). Cytogenetic location: 4q21.21.
Variant type: Deletion.
Identifiers: ClinVar variation 3246758 (VCV003246758.1).